The following is an entry in ClinVar:

ClinVar aggregate classification (germline): Likely benign. Review status: criteria provided, multiple submitters, no conflicts (2 of 4 stars). 2 submissions from 2 submitters: Likely benign (2). Last evaluated 2024-12-20.

Conditions:
Hereditary nonpolyposis colorectal neoplasms. Identifiers: MedGen C0009405, MeSH D003123.

Allele frequency attached by ClinVar (database versions not stated): gnomAD exomes below 0.00001.

Submissions (2):

Women's Health and Genetics/Laboratory Corporation of America, LabCorp
Classification: Likely benign. Last evaluated: 2024-12-20. Review status: criteria provided, single submitter. Criteria: LabCorp Variant Classification Summary - May 2015. Collection method: clinical testing. Allele origin: germline.
Comment: Variant summary: MSH6 c.4001+10_4001+29dup20 alters a non-conserved nucleotide located at a position not widely known to affect splicing. Consensus agreement among computation tools predict no significant impact on normal splicing. However, these predictions have yet to be confirmed by functional studies. The variant allele was found at a frequency of 4.1e-06 in 243544 control chromosomes (gnomAD). The available data on variant occurrences in the general population are insufficient to allow any conclusion about variant significance. To our knowledge, no occurrence of c.4001+10_4001+29dup20 in individuals affected with Hereditary Nonpolyposis Colorectal Cancer and no experimental evidence demonstrating its impact on protein function have been reported. ClinVar contains an entry for this variant (Variation ID: 1638169). Based on the evidence outlined above, the variant was classified as likely benign.

Labcorp Genetics (formerly Invitae), Labcorp
Classification: Likely benign for Hereditary nonpolyposis colorectal neoplasms. Last evaluated: 2024-08-04. Review status: criteria provided, single submitter. Criteria: Invitae Variant Classification Sherloc (09022015). Collection method: clinical testing. Allele origin: germline.

NM_000179.3(MSH6):c.4001+10_4001+29dup

Gene: MSH6 (mutS homolog 6; plus strand). Cytogenetic location: 2p16.3.
Variant type: Duplication.
Coding change: c.4001+10_4001+29dup on transcript NM_000179.3 (MANE Select); bases 10 to 29 of the intron after coding-DNA position 4001, 20 bases duplicated (TAACTATAATGGAATTATAA).
Molecular consequence: intron variant.
Genome position (GRCh38, 1-based): chr2:47,806,661-47,806,680, TAACTATAATGGAATTATAA duplicated. VCF-style (leftmost placement, unchanged base first): chr2-47806660-C-CTAACTATAATGGAATTATAA. GRCh37 (hg19) VCF-style: chr2-48033799-C-CTAACTATAATGGAATTATAA.
Other names: c.4001+10_4001+29dup20 (NM_000179.3); c.3095+10_3095+29dup (NM_001281493.2, NM_001281494.2); c.3611+10_3611+29dup (NM_001281492.2).
Identifiers: ClinVar variation 1638169 (VCV001638169.9), dbSNP rs1558394866, ClinGen allele CA532705519.